The following is an entry in ClinVar:

NM_000434.4(NEU1):c.1021C>G (p.Arg341Gly)

Gene: NEU1 (neuraminidase 1; minus strand). Cytogenetic location: 6p21.33.
Variant type: single nucleotide variant.
Coding change: c.1021C>G on transcript NM_000434.4 (MANE Select); coding-DNA position 1021, C replaced by G.
Protein change: p.Arg341Gly; replaces arginine 341 with glycine.
Molecular consequence: missense variant.
Genome position (GRCh38, 1-based): chr6:31,860,042, G>C on the plus strand (C>G on the coding strand, the complement: NEU1 is on the minus strand). VCF-style: chr6-31860042-G-C. GRCh37 (hg19) VCF-style: chr6-31827819-G-C.
Other names: c.1021C>G (NM_000434.3); short protein forms R341G.
Identifiers: ClinVar variation 2691715 (VCV002691715.3), dbSNP rs751458617, ClinGen allele CA3724903.

ClinVar aggregate classification (germline): Likely pathogenic. Review status: criteria provided, multiple submitters, no conflicts (2 of 4 stars). 3 submissions from 3 submitters: Likely pathogenic (3). Last evaluated 2026-06-03.

Conditions:
NEU1-related disorders.
NEU1-related disorder. Also called: NEU1-related condition.
Sialidosis. Identifiers: Orphanet 309294, MedGen C0268226, MONDO:0017734.

gnomAD v4.1: 31 of 1,612,808 alleles (0.0019%); highest among the groups gnomAD compares: Non-Finnish European, 0.0026%; no homozygotes.

Submissions (3):

PreventionGenetics, part of Exact Sciences
Classification: Likely pathogenic for NEU1-related condition. Last evaluated: 2026-06-03. Review status: criteria provided, single submitter. Criteria: ACMG Guidelines, 2015. Collection method: clinical testing. Allele origin: germline.
Comment: The NEU1 c.1021C>G variant is predicted to result in the amino acid substitution p.Arg341Gly. This variant has been reported in the compound heterozygous state in an individual with Sialidosis type II, and in vitro functional studies demonstrated this variant impact the enzyme activity significantly without affecting the protein localization (Pattison et al. 2004. PubMed ID: 14695530). This variant is reported in 0.0045% of alleles in individuals of European (Non-Finnish) descent in gnomAD. This variant is interpreted as likely pathogenic.

Women's Health and Genetics/Laboratory Corporation of America, LabCorp
Classification: Likely pathogenic for Sialidosis. Last evaluated: 2023-12-15. Review status: criteria provided, single submitter. Criteria: LabCorp Variant Classification Summary - May 2015. Collection method: clinical testing. Allele origin: germline.
Comment: Variant summary: NEU1 c.1021C>G (p.Arg341Gly) results in a non-conservative amino acid change in the encoded protein sequence. Five of five in-silico tools predict a damaging effect of the variant on protein function. The variant allele was found at a frequency of 2e-05 in 246350 control chromosomes. c.1021C>G has been reported in the literature at a compound heterozygous state along with a start codon variantin at-least one individual affected with Sialidosis Type II (Pattison_2004). These data do not allow any conclusion about variant significance. At least one publication reports experimental evidence evaluating an impact on protein function. The most pronounced variant effect results in almost diminished normal activity in lysates of HEK293 cells (Pattison_2004). The following publication have been ascertained in the context of this evaluation (PMID: 14695530). No submitters have cited clinical-significance assessments for this variant to ClinVar after 2014. Based on the evidence outlined above, the variant was classified as likely pathogenic.

Blueprint Genetics
Classification: Likely pathogenic for NEU1-related disorders. Last evaluated: 2023-09-06. Review status: criteria provided, single submitter. Criteria: ACMG Guidelines, 2015. Collection method: clinical testing. Allele origin: germline. Affected: yes. Observed: 4 variant alleles.

Literature cited by the submitters: PubMed 14695530 (cited by Women's Health and Genetics/Laboratory Corporation of America, LabCorp).